The following is an entry in ClinVar:

NM_001001957.2(OR2W3):c.732T>C (p.His244=)

Gene: OR2W3 (olfactory receptor family 2 subfamily W member 3; plus strand). Cytogenetic location: 1q44.
Variant type: single nucleotide variant.
Coding change: c.732T>C on transcript NM_001001957.2 (MANE Select); coding-DNA position 732, T replaced by C.
Protein change: p.His244=; no amino-acid change (histidine 244 retained).
Molecular consequence: synonymous variant.
Genome position (GRCh38, 1-based): chr1:247,896,318, T>C. VCF-style: chr1-247896318-T-C. GRCh37 (hg19) VCF-style: chr1-248059620-T-C.
Identifiers: ClinVar variation 2019642 (VCV002019642.4), dbSNP rs778999528, ClinGen allele CA1498673.

ClinVar aggregate classification (germline): Uncertain significance (1 of 4 stars; one submission).

Allele frequency attached by ClinVar (database versions not stated): gnomAD exomes below 0.00001; TOPMed below 0.00001; ExAC 0.00001.

Submission:

Labcorp Genetics (formerly Invitae), Labcorp
Classification: Uncertain significance. Last evaluated: 2022-09-13. Review status: criteria provided, single submitter. Criteria: Invitae Variant Classification Sherloc (09022015). Collection method: clinical testing. Allele origin: germline.
Comment: This variant is present in population databases (rs778999528, gnomAD 0.002%). In summary, the available evidence is currently insufficient to determine the role of this variant in disease. Therefore, it has been classified as a Variant of Uncertain Significance. This variant has not been reported in the literature in individuals affected with OR2W3-related conditions. This sequence change affects codon 244 of the OR2W3 mRNA. It is a 'silent' change, meaning that it does not change the encoded amino acid sequence of the OR2W3 protein.